The following is an entry in ClinVar:

NM_000059.4(BRCA2):c.1989del (p.Phe663fs)

Gene: BRCA2 (BRCA2 DNA repair associated; plus strand). Cytogenetic location: 13q13.1.
Variant type: Deletion.
Coding change: c.1989del on transcript NM_000059.4 (MANE Select); coding-DNA position 1989, one base deleted (T; older notation c.1989delT).
Protein change: p.Phe663fs; shifts the reading frame from phenylalanine 663.
Molecular consequence: frameshift variant.
Genome position (GRCh38, 1-based): chr13:32,336,344, T deleted; the last of 4 consecutive T bases (chr13:32,336,341-32,336,344); deleting any one gives the same sequence. VCF-style (leftmost placement, unchanged base first): chr13-32336340-CT-C. GRCh37 (hg19) VCF-style: chr13-32910477-CT-C.
Other names: c.1989delT (NM_000059.3).
Identifiers: ClinVar variation 254495 (VCV000254495.4), dbSNP rs886038068, ClinGen allele CA10586498.

ClinVar aggregate classification (germline): Pathogenic. Review status: reviewed by expert panel (3 of 4 stars). 3 submissions from 3 submitters: Pathogenic (1). 2 of the submissions do not count toward it. Last evaluated 2016-09-08.

Conditions:
Carcinoma of pancreas. Also called: PANCREATIC ACINAR CARCINOMA; PANCREATIC CARCINOMA; Pancreatic cancer, somatic; Pancreatic carcinoma, somatic; Exocrine pancreatic carcinoma. Identifiers: Orphanet 1333, Orphanet 217074, MedGen C0235974, MONDO:0005192. Disease mechanism: loss of function.
Breast-ovarian cancer, familial, susceptibility to, 2 (BROVCA2). Also called: BRCA2 Hereditary Breast and Ovarian Cancer. Identifiers: Orphanet 145, MedGen C2675520, MONDO:0012933, OMIM 612555. Disease mechanism: loss of function.

Submissions (3):

Evidence-based Network for the Interpretation of Germline Mutant Alleles (ENIGMA)
Classification: Pathogenic for Breast-ovarian cancer, familial, susceptibility to, 2. Last evaluated: 2016-09-08. Review status: reviewed by expert panel. Criteria: ENIGMA BRCA1/2 Classification Criteria (2015). Collection method: curation. Allele origin: germline.
Comment: Variant allele predicted to encode a truncated non-functional protein.

Consortium of Investigators of Modifiers of BRCA1/2 (CIMBA), c/o University of Cambridge
Classification: Pathogenic for Breast-ovarian cancer, familial, susceptibility to, 2. Last evaluated: 2015-10-02. Review status: criteria provided, single submitter. Criteria: CIMBA Mutation Classification guidelines May 2016. Collection method: clinical testing. Allele origin: germline. Not counted in ClinVar's aggregate classification.

CZECANCA consortium
Classification: Pathogenic for Carcinoma of pancreas. Last evaluated: 2021-03-04. Review status: no assertion criteria provided. Collection method: case-control. Allele origin: germline. Affected: yes. Observed: 1 variant allele. Not counted in ClinVar's aggregate classification.